The following is an entry in ClinVar:

Conditions:
Long QT syndrome 5 (LQT5). Identifiers: Orphanet 101016, Orphanet 768, MedGen C1867904, MONDO:0013372, OMIM 613695.

Submission:

Roden Lab, Vanderbilt University Medical Center
No classification provided (evidence only). Condition: Long QT syndrome 5. Review status: no classification provided. Collection method: in vitro. Allele origin: not applicable. Functional consequence: Effect on ion channel function.
ClinVar note: "not provided" was previously submitted as the classification for the variant. However, the classification appeared to be based only on an observation of functional data so it was converted to no classification on 2025-07-30.

NM_000219.6(KCNE1):c.50G>C (p.Trp17Ser)

Gene: KCNE1 (potassium voltage-gated channel subfamily E regulatory subunit 1; minus strand). Cytogenetic location: 21q22.12.
Variant type: single nucleotide variant.
Coding change: c.50G>C on transcript NM_000219.6 (MANE Select); coding-DNA position 50, G replaced by C.
Protein change: p.Trp17Ser; replaces tryptophan 17 with serine.
Molecular consequence: missense variant.
Genome position (GRCh38, 1-based): chr21:34,449,585, C>G on the plus strand (G>C on the coding strand, the complement: KCNE1 is on the minus strand). VCF-style: chr21-34449585-C-G. GRCh37 (hg19) VCF-style: chr21-35821883-C-G.
Other names: c.50G>C, p.Trp17Ser (NM_001127668.4, NM_001127669.4, NM_001127670.4 and 4 more transcripts); short protein forms W17S.
Identifiers: ClinVar variation 3373908 (VCV003373908.2).